The following is an entry in ClinVar:

ClinVar aggregate classification (germline): Uncertain significance (1 of 4 stars; one submission).

Allele frequency attached by ClinVar (database versions not stated): 1000 Genomes Project 30x 0.00016; ESP Exome Variant Server 0.00031.
gnomAD v4.1: 321 of 1,613,172 alleles (0.02%); highest among the groups gnomAD compares: South Asian, 0.13%; no homozygotes.

Submission:

Labcorp Genetics (formerly Invitae), Labcorp
Classification: Uncertain significance. Last evaluated: 2024-10-25. Review status: criteria provided, single submitter. Criteria: Invitae Variant Classification Sherloc (09022015). Collection method: clinical testing. Allele origin: germline.
Comment: This sequence change replaces aspartic acid, which is acidic and polar, with asparagine, which is neutral and polar, at codon 501 of the APC2 protein (p.Asp501Asn). This variant is present in population databases (rs372789581, gnomAD 0.1%). This variant has not been reported in the literature in individuals affected with APC2-related conditions. ClinVar contains an entry for this variant (Variation ID: 2045540). Invitae Evidence Modeling of protein sequence and biophysical properties (such as structural, functional, and spatial information, amino acid conservation, physicochemical variation, residue mobility, and thermodynamic stability) indicates that this missense variant is not expected to disrupt APC2 protein function with a negative predictive value of 80%. In summary, the available evidence is currently insufficient to determine the role of this variant in disease. Therefore, it has been classified as a Variant of Uncertain Significance.

NM_005883.3(APC2):c.1501G>A (p.Asp501Asn)

Gene: APC2 (APC regulator of WNT signaling pathway 2; plus strand). Cytogenetic location: 19p13.3.
Variant type: single nucleotide variant.
Coding change: c.1501G>A on transcript NM_005883.3 (MANE Select); coding-DNA position 1501, G replaced by A.
Protein change: p.Asp501Asn; replaces aspartic acid 501 with asparagine.
Molecular consequence: missense variant.
Genome position (GRCh38, 1-based): chr19:1,460,837, G>A. VCF-style: chr19-1460837-G-A. GRCh37 (hg19) VCF-style: chr19-1460836-G-A.
Other names: c.1498G>A, p.Asp500Asn (NM_001351273.1); short protein forms D500N, D501N.
Identifiers: ClinVar variation 2045540 (VCV002045540.3), dbSNP rs372789581, ClinGen allele CA9045123.